The following is an entry in ClinVar:

NM_001042492.3(NF1):c.1663_1666del (p.Leu555fs)

Gene: NF1 (neurofibromin 1; plus strand). Cytogenetic location: 17q11.2.
Variant type: Deletion.
Coding change: c.1663_1666del on transcript NM_001042492.3 (MANE Select); coding-DNA positions 1663 to 1666, 4 bases deleted (TTAG; older notation c.1663_1666delTTAG).
Protein change: p.Leu555fs; shifts the reading frame from leucine 555.
Molecular consequence: frameshift variant.
Genome position (GRCh38, 1-based): chr17:31,221,871-31,221,874, TTAG deleted; deleting any 4 consecutive bases within chr17:31,221,869-31,221,874 gives the same sequence; the c. name uses the placement nearest the transcript's 3' end. VCF-style (leftmost placement, unchanged base first): chr17-31221868-CAGTT-C. GRCh37 (hg19) VCF-style: chr17-29548886-CAGTT-C.
Other names: c.1663_1666delTTAG, p.Leu555Ilefs (NM_000267.4); c.1663_1666del, p.Leu555fs (NM_001128147.3); short protein forms L555fs.
Identifiers: ClinVar variation 966994 (VCV000966994.8), dbSNP rs2066928095, ClinGen allele CA645571243.
Genomic context (GRCh38, chr17:31,221,868, plus strand): 5'-AGTGAGTCTTCTCTTTGTCTTTCTCTTTTTTAAAAAATTCAGGCTCTGCTGGTTCTTCAT[CAGTT>C]AGATAGCATTGATTTGTGGAATCCTGATGCTCCTGTAGAAACATTTTGGGAGATTAGGTA-3'

ClinVar aggregate classification (germline): Pathogenic. Review status: criteria provided, multiple submitters, no conflicts (2 of 4 stars). 3 submissions from 3 submitters: Pathogenic (3). Last evaluated 2024-02-05.

Conditions:
Neurofibromatosis, type 1 (NF1). Also called: Neurofibromatosis, type I; Peripheral type neurofibromatosis; VON RECKLINGHAUSEN DISEASE; NEUROFIBROMATOSIS, TYPE I, SOMATIC. Identifiers: Orphanet 636, MedGen C0027831, MONDO:0018975, OMIM 162200. Disease mechanism: loss of function.

Submissions (3):

Labcorp Genetics (formerly Invitae), Labcorp
Classification: Pathogenic for Neurofibromatosis, type 1. Last evaluated: 2024-02-05. Review status: criteria provided, single submitter. Criteria: Invitae Variant Classification Sherloc (09022015). Collection method: clinical testing. Allele origin: germline.
Comment: This sequence change creates a premature translational stop signal (p.Leu555Ilefs*12) in the NF1 gene. It is expected to result in an absent or disrupted protein product. Loss-of-function variants in NF1 are known to be pathogenic (PMID: 10712197, 23913538). This variant is not present in population databases (gnomAD no frequency). This variant has not been reported in the literature in individuals affected with NF1-related conditions. ClinVar contains an entry for this variant (Variation ID: 966994). For these reasons, this variant has been classified as Pathogenic.

Mendelics
Classification: Pathogenic for Neurofibromatosis, type 1. Last evaluated: 2022-05-04. Review status: criteria provided, single submitter. Criteria: Mendelics Assertion Criteria 2019. Collection method: clinical testing. Allele origin: germline.

Genome-Nilou Lab
Classification: Pathogenic for Neurofibromatosis, type 1. Last evaluated: 2022-03-15. Review status: criteria provided, single submitter. Criteria: ACMG Guidelines, 2015. Collection method: clinical testing. Allele origin: germline. Affected: no.

Literature cited by the submitters: PubMed 10712197 (cited by Labcorp Genetics (formerly Invitae), Labcorp); PubMed 23913538 (cited by Labcorp Genetics (formerly Invitae), Labcorp).